The following is an entry in ClinVar:

NM_000321.3(RB1):c.2172dup (p.Val725fs)

Gene: RB1 (RB transcriptional corepressor 1; plus strand). Cytogenetic location: 13q14.2.
Variant type: Duplication.
Coding change: c.2172dup on transcript NM_000321.3 (MANE Select); coding-DNA position 2172, one base duplicated (T; older notation c.2172dupT).
Protein change: p.Val725fs; shifts the reading frame from valine 725.
Molecular consequence: frameshift variant.
Genome position (GRCh38, 1-based): chr13:48,463,796, T duplicated; the last of 2 consecutive T bases (chr13:48,463,795-48,463,796); duplicating either gives the same sequence. VCF-style (leftmost placement, unchanged base first): chr13-48463794-A-AT. GRCh37 (hg19) VCF-style: chr13-49037930-A-AT.
Other names: c.2172dupT (NM_000321.2); short protein forms V725fs.
Identifiers: ClinVar variation 573547 (VCV000573547.6), dbSNP rs1566237098, ClinGen allele CA891843746.

ClinVar aggregate classification (germline): Pathogenic (1 of 4 stars; one submission).

Conditions:
Retinoblastoma (RB1). Also called: RETINOBLASTOMA, SOMATIC. Identifiers: Orphanet 790, MedGen C0035335, MeSH D012175, MONDO:0008380, OMIM 180200, HP:0009919. Disease mechanism: loss of function. Inheritance: Both sporadic and heritable forms are tested..

Submission:

Labcorp Genetics (formerly Invitae), Labcorp
Classification: Pathogenic for Retinoblastoma. Last evaluated: 2018-02-14. Review status: criteria provided, single submitter. Criteria: Invitae Variant Classification Sherloc (09022015). Collection method: clinical testing. Allele origin: germline.
Comment: For these reasons, this variant has been classified as Pathogenic. Loss-of-function variants in RB1 are known to be pathogenic (PMID: 17096365). This variant has not been reported in the literature in individuals with RB1-related disease. This variant is not present in population databases (ExAC no frequency). This sequence change creates a premature translational stop signal (p.Val725Cysfs*26) in the RB1 gene. It is expected to result in an absent or disrupted protein product.

Literature cited by the submitters: PubMed 17096365.